The following is an entry in ClinVar:

NC_000021.8:g.(?_47533070)_47584395del

Gene: COL6A2 (collagen type VI alpha 2 chain; plus strand).
Variant type: Deletion.
Identifiers: ClinVar variation 1070015 (VCV001070015.2).

ClinVar aggregate classification (germline): Pathogenic (1 of 4 stars; one submission).

Conditions:
Bethlem myopathy 1A. Also called: Bethlem Muscular Dystrophy; MYOPATHY, BENIGN CONGENITAL, WITH CONTRACTURES; Bethlem myopathy 1. Identifiers: Orphanet 610, MedGen CN029274, MONDO:0024530, OMIM 158810.

Submission:

Labcorp Genetics (formerly Invitae), Labcorp
Classification: Pathogenic for Bethlem myopathy 1A. Last evaluated: 2019-07-24. Review status: criteria provided, single submitter. Criteria: Invitae Variant Classification Sherloc (09022015). Collection method: clinical testing. Allele origin: germline.
Comment: This variant is a gross deletion of the genomic region encompassing exons 5-28 of the COL6A2 gene. The 5' boundary is likely confined to intron 4. The 3' end of this event is unknown as it extends through the termination codon beyond the assayed region for this gene and may encompass additional genes. While this deletion is not anticipated to result in nonsense mediated decay, it is expected to create a truncated protein product or disrupt mRNA translation. This variant has not been reported in the literature in individuals with COL6A2-related conditions. This variant disrupts the the C-terminal region of the COL6A2 gene. Other variant(s) that disrupt this region (p.Gln858*) have been determined to be pathogenic (Invitae). This suggests that this region is clinically significant, and that variants that disrupt this region of the gene are likely to be disease-causing. For these reasons, this variant has been classified as Pathogenic.